The following is an entry in ClinVar:

ClinVar aggregate classification (germline): Likely benign (1 of 4 stars; one submission).

Conditions:
ASIP-related condition.

Submission:

PreventionGenetics, part of Exact Sciences
Classification: Likely benign for ASIP-related condition. Last evaluated: 2025-06-23. Review status: criteria provided, single submitter. Criteria: ACMG Guidelines, 2015. Collection method: clinical testing. Allele origin: germline.
Comment: This variant is classified as likely benign based on ACMG/AMP sequence variant interpretation guidelines (Richards et al. 2015 PMID: 25741868, with internal and published modifications).

NM_001672.3(ASIP):c.223-4G>T

Genes: ASIP (agouti signaling protein; plus strand), AHCY (adenosylhomocysteinase; minus strand). Cytogenetic location: 20q11.22.
Variant type: single nucleotide variant.
Coding change: c.223-4G>T on transcript NM_001672.3 (MANE Select); 4 bases into the intron before coding-DNA position 223, G replaced by T.
Molecular consequence: intron variant.
Genome position (GRCh38, 1-based): chr20:34,268,987, G>T. VCF-style: chr20-34268987-G-T. GRCh37 (hg19) VCF-style: chr20-32856793-G-T.
Other names: c.223-4G>T (NM_001385218.1).
Identifiers: ClinVar variation 4980373 (VCV004980373.1).